The following is an entry in ClinVar:

ClinVar aggregate classification (germline): Uncertain significance. Review status: criteria provided, multiple submitters, no conflicts (2 of 4 stars). 2 submissions from 2 submitters: Uncertain significance (2). Last evaluated 2023-11-01.

Conditions:
Hereditary cancer-predisposing syndrome. Also called: Neoplastic Syndromes, Hereditary; Hereditary Cancer Syndrome; Tumor predisposition; Hereditary neoplastic syndrome. Identifiers: Orphanet 140162, MedGen C0027672, MeSH D009386, MONDO:0015356.
Rhabdoid tumor predisposition syndrome 2 (RTPS2). Identifiers: Orphanet 231108, Orphanet 69077, MedGen C2750074, MONDO:0013224, OMIM 613325.

Submissions (2):

Ambry Genetics
Classification: Uncertain significance for Hereditary cancer-predisposing syndrome. Last evaluated: 2023-11-01. Review status: criteria provided, single submitter. Criteria: Ambry Variant Classification Scheme 2023. Collection method: clinical testing. Allele origin: germline.
Comment: The p.E669G variant (also known as c.2006A>G), located in coding exon 13 of the SMARCA4 gene, results from an A to G substitution at nucleotide position 2006. The glutamic acid at codon 669 is replaced by glycine, an amino acid with similar properties. This amino acid position is well conserved in available vertebrate species. In addition, this alteration is predicted to be tolerated by in silico analysis. Missense and in-frame variants in SMARCA4 are known to cause neurodevelopmental disorders; however, such associations with rhabdoid tumor predisposition syndrome including small cell carcinoma of the ovary-hypercalcemic type (SCCOHT) are exceedingly rare (Kosho T et al. Am J Med Genet C Semin Med Genet. 2014 Sep;166C(3):262-75; Jelinic P et al. Nat Genet. 2014 May;46(5):424-6). Based on the supporting evidence, the association of this alteration with Coffin-Siris syndrome is unknown; however, the association of this alteration with rhabdoid tumor predisposition syndrome is unlikely.

Labcorp Genetics (formerly Invitae), Labcorp
Classification: Uncertain significance for Rhabdoid tumor predisposition syndrome 2. Last evaluated: 2023-08-07. Review status: criteria provided, single submitter. Criteria: Invitae Variant Classification Sherloc (09022015). Collection method: clinical testing. Allele origin: germline.
Comment: This sequence change replaces glutamic acid, which is acidic and polar, with glycine, which is neutral and non-polar, at codon 669 of the SMARCA4 protein (p.Glu669Gly). This variant is not present in population databases (gnomAD no frequency). This variant has not been reported in the literature in individuals affected with SMARCA4-related conditions. Advanced modeling of protein sequence and biophysical properties (such as structural, functional, and spatial information, amino acid conservation, physicochemical variation, residue mobility, and thermodynamic stability) performed at Invitae indicates that this missense variant is not expected to disrupt SMARCA4 protein function. In summary, the available evidence is currently insufficient to determine the role of this variant in disease. Therefore, it has been classified as a Variant of Uncertain Significance.

NM_003072.5(SMARCA4):c.2006A>G (p.Glu669Gly)

Gene: SMARCA4 (SWI/SNF related BAF chromatin remodeling complex subunit ATPase 4; plus strand). Cytogenetic location: 19p13.2.
Variant type: single nucleotide variant.
Coding change: c.2006A>G on transcript NM_003072.5 (MANE Select); coding-DNA position 2006, A replaced by G.
Protein change: p.Glu669Gly; replaces glutamic acid 669 with glycine.
Molecular consequence: missense variant. On other transcripts: non-coding transcript variant (1).
Genome position (GRCh38, 1-based): chr19:11,007,906, A>G. VCF-style: chr19-11007906-A-G. GRCh37 (hg19) VCF-style: chr19-11118582-A-G.
Other names: c.2006A>G (NM_001128849.1); c.2006A>G, p.Glu669Gly (NM_001128844.3, NM_001128845.2, NM_001128846.2 and 6 more transcripts); short protein forms E669G.
Identifiers: ClinVar variation 2750921 (VCV002750921.4), dbSNP rs1600167346, ClinGen allele CA404052370.